The following is an entry in ClinVar:

NM_000448.3(RAG1):c.1988C>A (p.Ala663Glu)

Gene: RAG1 (recombination activating 1; plus strand). Cytogenetic location: 11p12.
Variant type: single nucleotide variant.
Coding change: c.1988C>A on transcript NM_000448.3 (MANE Select); coding-DNA position 1988, C replaced by A.
Protein change: p.Ala663Glu; replaces alanine 663 with glutamic acid.
Molecular consequence: missense variant.
Genome position (GRCh38, 1-based): chr11:36,575,292, C>A. VCF-style: chr11-36575292-C-A. GRCh37 (hg19) VCF-style: chr11-36596842-C-A.
Other names: c.1988C>A, p.Ala663Glu (NM_001377277.1, NM_001377278.1, NM_001377279.1 and 1 more transcripts); short protein forms A663E.
Identifiers: ClinVar variation 1308119 (VCV001308119.2), dbSNP rs2133296713, ClinGen allele CA380153749.

ClinVar aggregate classification (germline): Uncertain significance (1 of 4 stars; one submission).

Submission:

GeneDx
Classification: Uncertain significance. Last evaluated: 2019-09-03. Review status: criteria provided, single submitter. Criteria: GeneDx Variant Classification Process June 2021. Collection method: clinical testing. Allele origin: germline. Affected: yes.
Comment: Not observed in large population cohorts (Lek et al., 2016); In silico analysis, which includes protein predictors and evolutionary conservation, supports that this variant does not alter protein structure/function; Has not been previously published as pathogenic or benign to our knowledge